The following is an entry in ClinVar:

NM_001376.5(DYNC1H1):c.3747C>T (p.Ala1249=)

Gene: DYNC1H1 (dynein cytoplasmic 1 heavy chain 1; plus strand). Cytogenetic location: 14q32.31.
Variant type: single nucleotide variant.
Coding change: c.3747C>T on transcript NM_001376.5 (MANE Select); coding-DNA position 3747, C replaced by T.
Protein change: p.Ala1249=; no amino-acid change (alanine 1249 retained).
Molecular consequence: synonymous variant.
Genome position (GRCh38, 1-based): chr14:101,997,217, C>T. VCF-style: chr14-101997217-C-T. GRCh37 (hg19) VCF-style: chr14-102463554-C-T.
Identifiers: ClinVar variation 434983 (VCV000434983.11), dbSNP rs748930886, ClinGen allele CA7352068.

ClinVar aggregate classification (germline): Likely benign. Review status: criteria provided, multiple submitters, no conflicts (2 of 4 stars). 3 submissions from 3 submitters: Likely benign (3). Last evaluated 2026-05-13.

Conditions:
DYNC1H1-related disorder. Also called: DYNC1H1-related disorders; DYNC1H1-related condition. Identifiers: MedGen CN381529.
Charcot-Marie-Tooth disease axonal type 2O. Also called: Charcot-Marie-Tooth Neuropathy Type 2O; CHARCOT-MARIE-TOOTH NEUROPATHY, AXONAL, TYPE 2O; CHARCOT-MARIE-TOOTH DISEASE, AXONAL, AUTOSOMAL DOMINANT, TYPE 2O; Charcot-Marie-Tooth disease, axonal, type 20. Identifiers: Orphanet 284232, MedGen C3280220, MONDO:0013644, OMIM 614228.

Allele frequency attached by ClinVar (database versions not stated): gnomAD 0.00001 and 0.00002; TOPMed 0.00001; gnomAD exomes 0.00003 and 0.00007; ExAC 0.00007.
gnomAD v4.1: 50 of 1,613,822 alleles (0.0031%); highest among the groups gnomAD compares: South Asian, 0.045%; no homozygotes.

Submissions (3):

PreventionGenetics, part of Exact Sciences
Classification: Likely benign for DYNC1H1-related condition. Last evaluated: 2026-05-13. Review status: criteria provided, single submitter. Criteria: ACMG Guidelines, 2015. Collection method: clinical testing. Allele origin: germline.
Comment: This variant is classified as likely benign based on ACMG/AMP sequence variant interpretation guidelines (Richards et al. 2015 PMID: 25741868, with internal and published modifications).

Labcorp Genetics (formerly Invitae), Labcorp
Classification: Likely benign for Charcot-Marie-Tooth disease axonal type 2O. Last evaluated: 2025-09-23. Review status: criteria provided, single submitter. Criteria: Invitae Variant Classification Sherloc (09022015). Collection method: clinical testing. Allele origin: germline.

Genetic Services Laboratory, University of Chicago
Classification: Likely benign. Last evaluated: 2017-03-22. Review status: criteria provided, single submitter. Criteria: ACMG Guidelines, 2015. Collection method: clinical testing. Allele origin: germline. Affected: no.